The following is an entry in ClinVar:

ClinVar aggregate classification (germline): Conflicting classifications of pathogenicity. Review status: criteria provided, conflicting classifications (1 of 4 stars). 3 submissions from 3 submitters: Uncertain significance (2); Likely benign (1). Last evaluated 2025-01-06.

Conditions:
Hereditary cancer-predisposing syndrome. Also called: Neoplastic Syndromes, Hereditary; Hereditary Cancer Syndrome; Tumor predisposition; Hereditary neoplastic syndrome. Identifiers: Orphanet 140162, MedGen C0027672, MeSH D009386, MONDO:0015356.
Chuvash polycythemia. Also called: POLYCYTHEMIA, VHL-DEPENDENT. Identifiers: Orphanet 238557, MedGen C1837915, MONDO:0009892, OMIM 263400.
Von Hippel-Lindau syndrome (VHLS). Also called: Von Hippel-Lindau; VHL syndrome; von Hippel–Lindau syndrome. Identifiers: Orphanet 892, MedGen C0019562, MONDO:0008667, OMIM 193300. Disease mechanism: loss of function.

Submissions (3):

Ambry Genetics
Classification: Likely benign for Hereditary cancer-predisposing syndrome. Last evaluated: 2025-01-06. Review status: criteria provided, single submitter. Criteria: Ambry Variant Classification Scheme 2023. Collection method: clinical testing. Allele origin: germline.

All of Us Research Program, National Institutes of Health
Classification: Uncertain significance for Von Hippel-Lindau syndrome. Last evaluated: 2024-09-11. Review status: criteria provided, single submitter. Criteria: ACMG Guidelines, 2015. Collection method: clinical testing. Allele origin: germline. Inheritance: Autosomal dominant inheritance. Observed: 2 variant alleles, 2 heterozygotes.
Comment: This missense variant replaces isoleucine with methionine at codon 109 of the VHL protein. Computational prediction suggests that this variant may not impact protein structure and function (internally defined REVEL score threshold <= 0.5, PMID: 27666373). To our knowledge, functional studies have not been reported for this variant. This variant has not been reported in individuals affected with VHL-related disorders in the literature. This variant has not been identified in the general population by the Genome Aggregation Database (gnomAD). The available evidence is insufficient to determine the role of this variant in disease conclusively. Therefore, this variant is classified as a Variant of Uncertain Significance.

This study involves interpretation of variants in research participants for the purpose of population health screening. Participant phenotype was not available at the time of variant classification. Additional details can be found in publication PMID: 35346344, PMCID: PMC8962531

Labcorp Genetics (formerly Invitae), Labcorp
Classification: Uncertain significance for Von Hippel-Lindau syndrome; Chuvash polycythemia. Last evaluated: 2023-02-21. Review status: criteria provided, single submitter. Criteria: Invitae Variant Classification Sherloc (09022015). Collection method: clinical testing. Allele origin: germline.
Comment: This sequence change replaces isoleucine, which is neutral and non-polar, with methionine, which is neutral and non-polar, at codon 109 of the VHL protein (p.Ile109Met). This variant is not present in population databases (gnomAD no frequency). This variant has not been reported in the literature in individuals affected with VHL-related conditions. ClinVar contains an entry for this variant (Variation ID: 1035620). Advanced modeling of protein sequence and biophysical properties (such as structural, functional, and spatial information, amino acid conservation, physicochemical variation, residue mobility, and thermodynamic stability) performed at Invitae indicates that this missense variant is expected to disrupt VHL protein function. In summary, the available evidence is currently insufficient to determine the role of this variant in disease. Therefore, it has been classified as a Variant of Uncertain Significance.

Literature cited by the submitters: PubMed 38969834 (cited by Ambry Genetics).

NM_000551.4(VHL):c.327C>G (p.Ile109Met)

Gene: VHL (von Hippel-Lindau tumor suppressor; plus strand). Cytogenetic location: 3p25.3.
Variant type: single nucleotide variant.
Coding change: c.327C>G on transcript NM_000551.4 (MANE Select); coding-DNA position 327, C replaced by G.
Protein change: p.Ile109Met; replaces isoleucine 109 with methionine.
Molecular consequence: missense variant.
Genome position (GRCh38, 1-based): chr3:10,142,174, C>G. VCF-style: chr3-10142174-C-G. GRCh37 (hg19) VCF-style: chr3-10183858-C-G.
Other names: c.327C>G, p.Ile109Met (NM_001354723.2, NM_198156.3); short protein forms I109M.
Identifiers: ClinVar variation 1035620 (VCV001035620.12), dbSNP rs863224371, ClinGen allele CA351751282.